The following is an entry in ClinVar:

NM_001024845.3(SLC6A9):c.1003G>A (p.Val335Ile)

Gene: SLC6A9 (solute carrier family 6 member 9; minus strand). Cytogenetic location: 1p34.1.
Variant type: single nucleotide variant.
Coding change: c.1003G>A on transcript NM_001024845.3 (MANE Select); coding-DNA position 1003, G replaced by A.
Protein change: p.Val335Ile; replaces valine 335 with isoleucine.
Molecular consequence: missense variant. On other transcripts: non-coding transcript variant (1).
Genome position (GRCh38, 1-based): chr1:44,001,587, C>T on the plus strand (G>A on the coding strand, the complement: SLC6A9 is on the minus strand). VCF-style: chr1-44001587-C-T. GRCh37 (hg19) VCF-style: chr1-44467259-C-T.
Other names: c.1015G>A, p.Val339Ile (NM_001261380.2); c.670G>A, p.Val224Ile (NM_001328626.2, NM_001328630.2); c.940G>A, p.Val314Ile (NM_001328627.1); c.808G>A, p.Val270Ile (NM_001328628.1); c.1003G>A, p.Val335Ile (NM_001328629.1); c.1060G>A, p.Val354Ile (NM_006934.4); c.1222G>A, p.Val408Ile (NM_201649.4); short protein forms V335I, V408I, V224I, V270I, V339I, V314I, V354I.
Identifiers: ClinVar variation 598735 (VCV000598735.8), dbSNP rs149105213, ClinGen allele CA817623.
Genomic context (GRCh38, chr1:44,001,587, plus strand): 5'-CCACGCCCAGGTGATTGGCCATGAAGCCGAGGATGGAGAAGATGACGAAGCCAGCATAGA[C>T]GCTGGTGGCACAGTTGGTGATGCTGATGATGACACTGTCCCTGATGGGGAGGAAAACAGA-3'
Protein context (NP_001020016.1, residues 325-345): IISITNCATS[Val335Ile]YAGFVIFSIL

ClinVar aggregate classification (germline): Uncertain significance. Review status: criteria provided, multiple submitters, no conflicts (2 of 4 stars). 2 submissions from 2 submitters: Uncertain significance (2). Last evaluated 2022-06-21.

Conditions:
Atypical glycine encephalopathy. Also called: Glycine encephalopathy with normal serum glycine. Identifiers: Orphanet 289863, MedGen C4310943, MONDO:0015010, OMIM 617301.

Allele frequency attached by ClinVar (database versions not stated): 1000 Genomes Project 0.00020; TOPMed 0.00066; ESP Exome Variant Server 0.00069; 1000 Genomes Project 30x 0.00016.
gnomAD v4.1: 2,293 of 1,614,152 alleles (0.14%); highest among the groups gnomAD compares: Non-Finnish European, 0.19%; 5 homozygotes.

Submissions (2):

Labcorp Genetics (formerly Invitae), Labcorp
Classification: Uncertain significance for Atypical glycine encephalopathy. Last evaluated: 2022-06-21. Review status: criteria provided, single submitter. Criteria: Invitae Variant Classification Sherloc (09022015). Collection method: clinical testing. Allele origin: germline.
Comment: This sequence change replaces valine, which is neutral and non-polar, with isoleucine, which is neutral and non-polar, at codon 408 of the SLC6A9 protein (p.Val408Ile). This variant is present in population databases (rs149105213, gnomAD 0.1%), and has an allele count higher than expected for a pathogenic variant. This variant has not been reported in the literature in individuals affected with SLC6A9-related conditions. ClinVar contains an entry for this variant (Variation ID: 598735). Algorithms developed to predict the effect of missense changes on protein structure and function (SIFT, PolyPhen-2, Align-GVGD) all suggest that this variant is likely to be tolerated. In summary, the available evidence is currently insufficient to determine the role of this variant in disease. Therefore, it has been classified as a Variant of Uncertain Significance.

Eurofins Ntd Llc (ga)
Classification: Uncertain significance. Last evaluated: 2018-09-18. Review status: criteria provided, single submitter. Criteria: EGL ClinVar v180209 classification definitions. Collection method: clinical testing. Allele origin: germline. Observed: 1 variant allele, 1 heterozygote.